The following is an entry in ClinVar:

ClinVar aggregate classification (germline): Uncertain significance (1 of 4 stars; one submission).

Submission:

CeGaT Center for Human Genetics Tuebingen
Classification: Uncertain significance. Last evaluated: 2026-07-01. Review status: criteria provided, single submitter. Criteria: CeGaT Center For Human Genetics Tuebingen Variant Classification Criteria Version 2. Collection method: clinical testing. Allele origin: germline. Affected: yes. Observed: 1 variant allele.
Comment: SPTB: PM2:Supporting, BP4

NM_001355436.2(SPTB):c.2765G>T (p.Ser922Ile)

Gene: SPTB (spectrin beta, erythrocytic; minus strand). Cytogenetic location: 14q23.3.
Variant type: single nucleotide variant.
Coding change: c.2765G>T on transcript NM_001355436.2 (MANE Select); coding-DNA position 2765, G replaced by T.
Protein change: p.Ser922Ile; replaces serine 922 with isoleucine.
Molecular consequence: missense variant.
Genome position (GRCh38, 1-based): chr14:64,791,758, C>A on the plus strand (G>T on the coding strand, the complement: SPTB is on the minus strand). VCF-style: chr14-64791758-C-A. GRCh37 (hg19) VCF-style: chr14-65258476-C-A.
Other names: c.2765G>T, p.Ser922Ile (NM_001024858.4, NM_001355437.2); short protein forms S922I.
Identifiers: ClinVar variation 4875338 (VCV004875338.2).